The following is an entry in ClinVar:

ClinVar aggregate classification (germline): Pathogenic (1 of 4 stars; one submission).

Conditions:
Stickler syndrome type 2 (STL2). Also called: COL11A1-Related Stickler Syndrome; STICKLER SYNDROME, TYPE II; STICKLER SYNDROME, BEADED VITREOUS TYPE; STICKLER SYNDROME, VITREOUS TYPE 2. Identifiers: Orphanet 828, Orphanet 90654, MedGen C1858084, MONDO:0011493, OMIM 604841.

Submission:

Baylor Genetics
Classification: Pathogenic for Stickler syndrome type 2. Last evaluated: 2017-09-01. Review status: criteria provided, single submitter. Criteria: ACMG Guidelines, 2015. Collection method: clinical testing. Allele origin: maternal. Inheritance: Autosomal unknown. Affected: yes.
Comment: This nonsense mutation is categorized as deleterious according to ACMG guidelines (PMID:18414213).

Literature cited by the submitters: PubMed 25326635.

NM_001854.4(COL11A1):c.4396G>T (p.Glu1466Ter)

Gene: COL11A1 (collagen type XI alpha 1 chain; minus strand). Cytogenetic location: 1p21.1.
Variant type: single nucleotide variant.
Coding change: c.4396G>T on transcript NM_001854.4 (MANE Select); coding-DNA position 4396, G replaced by T.
Protein change: p.Glu1466Ter; replaces glutamic acid 1466 with a stop codon.
Molecular consequence: nonsense. On other transcripts: non-coding transcript variant (1).
Genome position (GRCh38, 1-based): chr1:102,889,523, C>A on the plus strand (G>T on the coding strand, the complement: COL11A1 is on the minus strand). VCF-style: chr1-102889523-C-A. GRCh37 (hg19) VCF-style: chr1-103355079-C-A.
Other names: c.4279G>T, p.Glu1427Ter (NM_001190709.2); c.4432G>T, p.Glu1478Ter (NM_080629.3); c.4048G>T, p.Glu1350Ter (NM_080630.4); short protein forms E1466*, E1478*, E1350*, E1427*.
Identifiers: ClinVar variation 560981 (VCV000560981.2), dbSNP rs866783525, ClinGen allele CA341212718.